The following is an entry in ClinVar:

ClinVar aggregate classification (germline): Conflicting classifications of pathogenicity. Review status: criteria provided, conflicting classifications (1 of 4 stars). 2 submissions from 2 submitters: Uncertain significance (1); Likely benign (1). Last evaluated 2023-03-23.

Conditions:
Hereditary cancer-predisposing syndrome. Also called: Tumor predisposition; Hereditary neoplastic syndrome; Neoplastic Syndromes, Hereditary; Hereditary Cancer Syndrome. Identifiers: Orphanet 140162, MedGen C0027672, MeSH D009386, MONDO:0015356.

Submissions (2):

University of Washington Department of Laboratory Medicine, University of Washington
Classification: Likely benign for Hereditary cancer-predisposing syndrome. Last evaluated: 2023-03-23. Review status: criteria provided, single submitter. Criteria: Dines et al. (Genet Med. 2020). Collection method: curation. Allele origin: germline.
Comment: Missense variant in a coldspot region where missense variants are very unlikely to be pathogenic (PMID:31911673).

BRCA2 exon 10 coldspot. Reclassification based on statistical prior probability.

Ambry Genetics
Classification: Uncertain significance for Hereditary cancer-predisposing syndrome. Last evaluated: 2019-07-25. Review status: criteria provided, single submitter. Criteria: Ambry Variant Classification Scheme 2023. Collection method: clinical testing. Allele origin: germline.
Comment: The p.Q486E variant (also known as c.1456C>G), located in coding exon 9 of the BRCA2 gene, results from a C to G substitution at nucleotide position 1456. The glutamine at codon 486 is replaced by glutamic acid, an amino acid with highly similar properties. This amino acid position is poorly conserved in available vertebrate species. In addition, this alteration is predicted to be tolerated by in silico analysis. Since supporting evidence is limited at this time, the clinical significance of this alteration remains unclear.

NM_000059.4(BRCA2):c.1456C>G (p.Gln486Glu)

Gene: BRCA2 (BRCA2 DNA repair associated; plus strand). Cytogenetic location: 13q13.1.
Variant type: single nucleotide variant.
Coding change: c.1456C>G on transcript NM_000059.4 (MANE Select); coding-DNA position 1456, C replaced by G.
Protein change: p.Gln486Glu; replaces glutamine 486 with glutamic acid.
Molecular consequence: missense variant.
Genome position (GRCh38, 1-based): chr13:32,332,934, C>G. VCF-style: chr13-32332934-C-G. GRCh37 (hg19) VCF-style: chr13-32907071-C-G.
Other names: short protein forms Q486E.
Identifiers: ClinVar variation 819260 (VCV000819260.6), dbSNP rs80358434, ClinGen allele CA387764354.